The following is an entry in ClinVar:

NM_014363.6(SACS):c.5012C>T (p.Ser1671Phe)

Gene: SACS (sacsin molecular chaperone; minus strand). Cytogenetic location: 13q12.12.
Variant type: single nucleotide variant.
Coding change: c.5012C>T on transcript NM_014363.6 (MANE Select); coding-DNA position 5012, C replaced by T.
Protein change: p.Ser1671Phe; replaces serine 1671 with phenylalanine.
Molecular consequence: missense variant.
Genome position (GRCh38, 1-based): chr13:23,338,864, G>A on the plus strand (C>T on the coding strand, the complement: SACS is on the minus strand). VCF-style: chr13-23338864-G-A. GRCh37 (hg19) VCF-style: chr13-23913003-G-A.
Other names: c.4571C>T, p.Ser1524Phe (NM_001278055.2); short protein forms S1671F, S1524F.
Identifiers: ClinVar variation 2140180 (VCV002140180.1), dbSNP rs765011393, ClinGen allele CA246659563.

ClinVar aggregate classification (germline): Uncertain significance (1 of 4 stars; one submission).

Conditions:
Spastic paraplegia. Identifiers: MedGen C0037772, HP:0001258.

Allele frequency attached by ClinVar (database versions not stated): TOPMed below 0.00001; gnomAD 0.00001; gnomAD exomes 0.00001.
gnomAD v4.1: 12 of 1,612,902 alleles (0.00074%); highest among the groups gnomAD compares: Admixed American, 0.0017%; no homozygotes.

Submission:

Labcorp Genetics (formerly Invitae), Labcorp
Classification: Uncertain significance for Spastic paraplegia. Last evaluated: 2022-09-06. Review status: criteria provided, single submitter. Criteria: Invitae Variant Classification Sherloc (09022015). Collection method: clinical testing. Allele origin: germline.
Comment: This sequence change replaces serine, which is neutral and polar, with phenylalanine, which is neutral and non-polar, at codon 1671 of the SACS protein (p.Ser1671Phe). This variant is not present in population databases (gnomAD no frequency). This variant has not been reported in the literature in individuals affected with SACS-related conditions. Algorithms developed to predict the effect of missense changes on protein structure and function are either unavailable or do not agree on the potential impact of this missense change (SIFT: "Deleterious"; PolyPhen-2: "Possibly Damaging"; Align-GVGD: "Class C0"). In summary, the available evidence is currently insufficient to determine the role of this variant in disease. Therefore, it has been classified as a Variant of Uncertain Significance.